The following is an entry in ClinVar:

NM_000492.4(CFTR):c.1315C>T (p.Pro439Ser)

Genes: CFTR (CF transmembrane conductance regulator; plus strand), CFTR-AS1 (CFTR antisense RNA 1; minus strand). Cytogenetic location: 7q31.2.
Variant type: single nucleotide variant.
Coding change: c.1315C>T on transcript NM_000492.4 (MANE Select); coding-DNA position 1315, C replaced by T.
Protein change: p.Pro439Ser; replaces proline 439 with serine.
Molecular consequence: missense variant.
Genome position (GRCh38, 1-based): chr7:117,548,746, C>T. VCF-style: chr7-117548746-C-T. GRCh37 (hg19) VCF-style: chr7-117188800-C-T.
Other names: p.Pro439Ser; short protein forms P439S.
Identifiers: ClinVar variation 53226 (VCV000053226.28), dbSNP rs397508187, ClinGen allele CA326449.

ClinVar aggregate classification (germline): Conflicting classifications of pathogenicity. Review status: criteria provided, conflicting classifications (1 of 4 stars). 9 submissions from 9 submitters: Pathogenic (1); Likely pathogenic (7); Uncertain significance (1). Last evaluated 2025-09-15.

Conditions:
CFTR-related disorder (CFTR-RD). Also called: CFTR-related condition; CFTR-related disorders. Identifiers: MedGen C5924204, MONDO:7770004.
Cystic fibrosis (CF). Also called: MUCOVISCIDOSIS. Identifiers: Orphanet 586, MedGen C0010674, MONDO:0009061, OMIM 219700. Disease mechanism: loss of function.
Bronchiectasis with or without elevated sweat chloride 1 (BESC1). Also called: Cystic Fibrosis-Like Syndrome. Identifiers: Orphanet 60033, MedGen C2749757, MONDO:0008887, OMIM 211400.

Allele frequency attached by ClinVar (database versions not stated): gnomAD 0.00001; TOPMed 0.00001.
gnomAD v4.1: 4 of 1,612,790 alleles (0.00025%); highest among the groups gnomAD compares: African/African-American, 0.0013%; no homozygotes.

Submissions (9):

Women's Health and Genetics/Laboratory Corporation of America, LabCorp
Classification: Likely pathogenic for Cystic fibrosis. Last evaluated: 2025-09-15. Review status: criteria provided, single submitter. Criteria: LabCorp Variant Classification Summary - May 2015. Collection method: clinical testing. Allele origin: germline.
Comment: Variant summary: CFTR c.1315C>T (p.Pro439Ser) results in a non-conservative amino acid change located in the ABC transporter-like domain (IPR003439) of the encoded protein sequence. Five of five in-silico tools predict a damaging effect of the variant on protein function. The variant was absent in 242792 control chromosomes. c.1315C>T has been reported in the literature in compound heterozygosity with p.R668C in one comprehensively genotyped patient with mild CF (Schrijver_2005), in compound heterozygosity with p.R334W in one patient with CBAVD (Grangeia_2007), in compound heterozygosity with p.F508del in one comprehensively genotyped patient with azoospermia (Ooi_2014). Each of these patients is ascertained in the context of the broad phenotypic spectrum of CF and related disorders. These data indicate that the variant may be associated with disease. At least one publications reports experimental evidence evaluating an impact on protein function. The most pronounced variant effect resulted in approximately 20% of normal chloride channel conductance relative to wild type (e.g., Bihler_2024). The following publications have been ascertained in the context of this evaluation (PMID: 15858154, 17413420, 25735457, 24697796, 29216686, 18769034, 38388235). ClinVar contains an entry for this variant (Variation ID: 53226). Based on the evidence outlined above, the variant was classified as likely pathogenic.

Labcorp Genetics (formerly Invitae), Labcorp
Classification: Pathogenic for Cystic fibrosis. Last evaluated: 2025-08-06. Review status: criteria provided, single submitter. Criteria: Invitae Variant Classification Sherloc (09022015). Collection method: clinical testing. Allele origin: germline.
Comment: This sequence change replaces proline, which is neutral and non-polar, with serine, which is neutral and polar, at codon 439 of the CFTR protein (p.Pro439Ser). This variant is not present in population databases (gnomAD no frequency). This missense change has been observed in individual(s) with mild / atypical cystic fibrosis, congenital absence of the vas deferens, or obstructive azoospermia (PMID: 15858154, 17413420, 24697796). In at least one individual the data is consistent with being in trans (on the opposite chromosome) from a pathogenic variant. ClinVar contains an entry for this variant (Variation ID: 53226). Invitae Evidence Modeling of protein sequence and biophysical properties (such as structural, functional, and spatial information, amino acid conservation, physicochemical variation, residue mobility, and thermodynamic stability) indicates that this missense variant is expected to disrupt CFTR protein function with a positive predictive value of 80%. Experimental studies have shown that this missense change affects CFTR function (PMID: 18769034). For these reasons, this variant has been classified as Pathogenic.

Ambry Genetics
Classification: Uncertain significance for Cystic fibrosis. Last evaluated: 2024-08-20. Review status: criteria provided, single submitter. Criteria: Ambry Variant Classification Scheme 2023. Collection method: clinical testing. Allele origin: germline.
Comment: The p.P439S variant (also known as c.1315C>T), located in coding exon 10 of the CFTR gene, results from a C to T substitution at nucleotide position 1315. The proline at codon 439 is replaced by serine, an amino acid with similar properties. In a patient with congenital bilateral absence of the vas deferens, this variant was detected in conjunction with a pathogenic allele (Grangeia A et al. Genet. Med., 2007 Mar;9:163-72). In vitro functional analyses showed this alteration resulted in a reduction of mature CFTR protein and chloride channel activity (Grangeia A et al. Cell. Physiol. Biochem., 2008 Jul;22:79-92). This amino acid position is highly conserved in available vertebrate species. In addition, this alteration is predicted to be deleterious by in silico analysis. Since supporting evidence is limited at this time, the clinical significance of this alteration remains unclear.

Baylor Genetics
Classification: Likely pathogenic for Bronchiectasis with or without elevated sweat chloride 1. Last evaluated: 2024-01-18. Review status: criteria provided, single submitter. Criteria: ACMG Guidelines, 2015. Collection method: clinical testing. Allele origin: unknown.

Quest Diagnostics Nichols Institute San Juan Capistrano
Classification: Likely pathogenic. Last evaluated: 2023-08-09. Review status: criteria provided, single submitter. Criteria: Quest Diagnostics criteria. Collection method: clinical testing. Allele origin: unknown.
Comment: The CFTR c.1315C>T (p.Pro439Ser) variant has been reported in the published literature in along with another CFTR variant in an individual with cystic fibrosis (PMID: 15858154 (2005)). This variant has been reported along with other CFTR variants in individuals with CFTR related disorders including azoospermia (PMID: 24697796 (2014)), congenital bilateral absence of the vas deferens (CBAVD)(PMID: 17413420 (2007)) and pancreatitis (CFTR-France). Published functional studies showed that this variant results in reduced levels of mature CFTR protein and defective trafficking to the cell membrane (PMID: 18769034 (2008)). This variant has not been reported in large, multi-ethnic general populations (Genome Aggregation Database). Based on the available information, this variant is classified as likely pathogenic.

Mayo Clinic Laboratories, Mayo Clinic
Classification: Likely pathogenic. Last evaluated: 2023-03-22. Review status: criteria provided, single submitter. Criteria: ACMG Guidelines, 2015. Collection method: clinical testing. Allele origin: germline. Observed: 1 variant allele.
Comment: PP3, PM2, PM3, PS4_moderate

Blueprint Genetics
Classification: Likely pathogenic for CFTR-related disorders. Last evaluated: 2022-07-26. Review status: criteria provided, single submitter. Criteria: ACMG Guidelines, 2015. Collection method: clinical testing. Allele origin: germline. Affected: yes. Observed: 3 variant alleles.

Dasa
Classification: Likely pathogenic for Cystic fibrosis. Last evaluated: 2022-02-05. Review status: criteria provided, single submitter. Criteria: ACMG Guidelines, 2015. Collection method: clinical testing. Allele origin: germline. Affected: yes. Observed: 1 variant allele.
Comment: The c.1315C>T;p.(Pro439Ser) missense variant has been observed in affected individual(s) and ClinVar contains an entry for this variant (ClinVar ID: 53226; PMID: 15858154; 17413420) - PS4_moderate. Well-established in vitro or in vivo functional studies supportive of a damaging effect on the gene or gene product (PMID: 18769034) - PS3_supporting. The variant is present at low allele frequencies population databases (rs397508187 – gnomAD 0.00006573%; ABraOM 0.000854 frequency) - PM2_supporting. The p.(Pro439Ser) was detected in trans with a pathogenic variant (PMID: 15858154; 17413420) - PM3. Multiple lines of computational evidence support a deleterious effect on the gene or gene product - PP3. In summary, the currently available evidence indicates that the variant is likely pathogenic.

Genome-Nilou Lab
Classification: Likely pathogenic for Cystic fibrosis. Last evaluated: 2021-07-22. Review status: criteria provided, single submitter. Criteria: ACMG Guidelines, 2015. Collection method: clinical testing. Allele origin: germline. Affected: no.

Literature cited by the submitters: PubMed 15858154 (cited by 6 submitters); PubMed 17413420 (cited by 6 submitters); PubMed 25735457 (cited by Women's Health and Genetics/Laboratory Corporation of America, LabCorp); PubMed 24697796 (cited by 4 submitters); PubMed 29216686 (cited by Women's Health and Genetics/Laboratory Corporation of America, LabCorp and Mayo Clinic Laboratories, Mayo Clinic); PubMed 18769034 (cited by 6 submitters); PubMed 38388235 (cited by Women's Health and Genetics/Laboratory Corporation of America, LabCorp).